The following is an entry in ClinVar:

ClinVar aggregate classification (germline): Uncertain significance (1 of 4 stars; one submission).

Conditions:
Inflammatory bowel disease 25. Also called: Inflammatory bowel disease 25, early onset, autosomal recessive. Identifiers: Orphanet 238569, MedGen C2675508, MONDO:0012941, OMIM 612567.

Submission:

Labcorp Genetics (formerly Invitae), Labcorp
Classification: Uncertain significance for Inflammatory bowel disease 25. Last evaluated: 2022-02-25. Review status: criteria provided, single submitter. Criteria: Invitae Variant Classification Sherloc (09022015). Collection method: clinical testing. Allele origin: germline.
Comment: In summary, the available evidence is currently insufficient to determine the role of this variant in disease. Therefore, it has been classified as a Variant of Uncertain Significance. Algorithms developed to predict the effect of missense changes on protein structure and function are either unavailable or do not agree on the potential impact of this missense change (SIFT: "Tolerated"; PolyPhen-2: "Not Available"; Align-GVGD: "Class C0"). ClinVar contains an entry for this variant (Variation ID: 948708). This variant has not been reported in the literature in individuals affected with IL10RB-related conditions. This variant is not present in population databases (gnomAD no frequency). This sequence change replaces serine, which is neutral and polar, with asparagine, which is neutral and polar, at codon 7 of the IL10RB protein (p.Ser7Asn).

NM_000628.5(IL10RB):c.20G>A (p.Ser7Asn)

Genes: IFNAR2-IL10RB (IFNAR2-IL10RB readthrough; plus strand), IL10RB (interleukin 10 receptor subunit beta; plus strand), LOC130066558 (ATAC-STARR-seq lymphoblastoid silent region 13254; plus strand). Cytogenetic location: 21q22.11.
Variant type: single nucleotide variant.
Coding change: c.20G>A on transcript NM_000628.5 (MANE Select); coding-DNA position 20, G replaced by A.
Protein change: p.Ser7Asn; replaces serine 7 with asparagine.
Molecular consequence: missense variant.
Genome position (GRCh38, 1-based): chr21:33,266,485, G>A. VCF-style: chr21-33266485-G-A. GRCh37 (hg19) VCF-style: chr21-34638790-G-A.
Other names: short protein forms S7N.
Identifiers: ClinVar variation 948708 (VCV000948708.10), dbSNP rs1042356155, ClinGen allele CA410106815.